The following is an entry in ClinVar:

ClinVar aggregate classification (germline): Uncertain significance. Review status: criteria provided, single submitter (1 of 4 stars). 2 submissions from 2 submitters: Uncertain significance (1). 1 of the submissions does not count toward it. Last evaluated 2021-10-22.

Conditions:
High myopia. Also called: Severe Myopia. Identifiers: MedGen C0271183, HP:0011003.

Allele frequency attached by ClinVar (database versions not stated): gnomAD exomes 0.00015 and 0.00016; TOPMed 0.00017; gnomAD 0.00018 and 0.00019; ExAC 0.00026.
gnomAD v4.1: 266 of 1,593,250 alleles (0.017%); highest among the groups gnomAD compares: African/African-American, 0.023%; no homozygotes.

Submissions (2):

Labcorp Genetics (formerly Invitae), Labcorp
Classification: Uncertain significance. Last evaluated: 2021-10-22. Review status: criteria provided, single submitter. Criteria: Invitae Variant Classification Sherloc (09022015). Collection method: clinical testing. Allele origin: germline.
Comment: This sequence change replaces proline with leucine at codon 2074 of the LAMA5 protein (p.Pro2074Leu). The proline residue is weakly conserved and there is a moderate physicochemical difference between proline and leucine. This variant is present in population databases (rs772704319, ExAC 0.08%). This variant has not been reported in the literature in individuals affected with LAMA5-related conditions. ClinVar contains an entry for this variant (Variation ID: 623455). Algorithms developed to predict the effect of missense changes on protein structure and function (SIFT, PolyPhen-2, Align-GVGD) all suggest that this variant is likely to be tolerated. In summary, the available evidence is currently insufficient to determine the role of this variant in disease. Therefore, it has been classified as a Variant of Uncertain Significance.

Institute of Human Genetics, Polish Academy of Sciences
Classification: Uncertain significance for Severe Myopia. Last evaluated: 2018-12-17. Review status: no assertion criteria provided. Collection method: research. Allele origin: unknown. Affected: yes. Not counted in ClinVar's aggregate classification.

NM_005560.6(LAMA5):c.6221C>T (p.Pro2074Leu)

Gene: LAMA5 (laminin subunit alpha 5; minus strand). Cytogenetic location: 20q13.33.
Variant type: single nucleotide variant.
Coding change: c.6221C>T on transcript NM_005560.6 (MANE Select); coding-DNA position 6221, C replaced by T.
Protein change: p.Pro2074Leu; replaces proline 2074 with leucine.
Molecular consequence: missense variant.
Genome position (GRCh38, 1-based): chr20:62,322,394, G>A on the plus strand (C>T on the coding strand, the complement: LAMA5 is on the minus strand). VCF-style: chr20-62322394-G-A. GRCh37 (hg19) VCF-style: chr20-60897450-G-A.
Other names: short protein forms P2074L.
Identifiers: ClinVar variation 623455 (VCV000623455.5), dbSNP rs772704319, ClinGen allele CA9941843.